The following is an entry in ClinVar:

ClinVar aggregate classification (germline): Likely pathogenic (1 of 4 stars; one submission).

Conditions:
Intellectual developmental disorder with or without epilepsy or cerebellar ataxia. Identifiers: MedGen C4748041, MONDO:0060745, OMIM 618060.

Submission:

Victorian Clinical Genetics Services, Murdoch Childrens Research Institute
Classification: Likely pathogenic for Intellectual developmental disorder with or without epilepsy or cerebellar ataxia. Last evaluated: 2024-11-22. Review status: criteria provided, single submitter. Criteria: ACMG Guidelines, 2015. Collection method: clinical testing. Allele origin: germline. Affected: yes.
Comment: This variant is classified as Likely pathogenic. Evidence in support of pathogenic classification: Variant is predicted to result in a truncated protein (premature termination codon is NOT located at least 54 nucleotides upstream of the final exon-exon junction) with less than 1/3 of the protein sequence affected; Variant is absent from gnomAD (v2, v3 and v4); Other protein truncating variants comparable to the one identified in this case have moderate previous evidence for pathogenicity. p.(Arg462*) and p.(Arg500*) have been reported in multiple individuals with RORA-related features, with both de novo cases and inheritance from an affected parent reported (PMID: 29656859, ClinVar, GeneDx personal correspondence, DECIPHER). p.(Arg483*) has been classified as VUS by clinical laboratories in ClinVar, and has been identified in an individual with global developmental delay, hypotonia and tremor (Invitae personal correspondence). Additional information: This variant is heterozygous; This gene is associated with autosomal dominant disease; This variant has no previous evidence of pathogenicity; No published segregation evidence has been identified for this variant; No published functional evidence has been identified for this variant; Variant is predicted to truncate the annotated hormone receptor domain (DECIPHER); Loss of function is a known mechanism of disease in this gene and is associated with intellectual developmental disorder with or without epilepsy or cerebellar ataxia (MIM#618060); Variants in this gene are known to have variable expressivity. The associated phenotype can very from mild intellectual disability and speech delay or normal speech to severe cognitive impairment and absent speech (PMID: 29656859).

Literature cited by the submitters: PubMed 29656859.

NM_134261.3(RORA):c.1360C>T (p.Gln454Ter)

Genes: RORA (RAR related orphan receptor A; minus strand), RORA-AS1 (RORA antisense RNA 1; plus strand). Cytogenetic location: 15q22.2.
Variant type: single nucleotide variant.
Coding change: c.1360C>T on transcript NM_134261.3 (MANE Select); coding-DNA position 1360, C replaced by T.
Protein change: p.Gln454Ter; replaces glutamine 454 with a stop codon.
Molecular consequence: nonsense.
Genome position (GRCh38, 1-based): chr15:60,499,939, G>A on the plus strand (C>T on the coding strand, the complement: RORA is on the minus strand). VCF-style: chr15-60499939-G-A. GRCh37 (hg19) VCF-style: chr15-60792138-G-A.
Other names: c.1435C>T, p.Gln479Ter (NM_002943.4); c.1459C>T, p.Gln487Ter (NM_134260.3); c.1195C>T, p.Gln399Ter (NM_134262.3); short protein forms Q399*, Q454*, Q479*, Q487*.
Identifiers: ClinVar variation 4531505 (VCV004531505.1).